The following is an entry in ClinVar:

NM_000179.3(MSH6):c.664_671dup (p.Glu226fs)

Gene: MSH6 (mutS homolog 6; plus strand). Cytogenetic location: 2p16.3.
Variant type: Duplication.
Coding change: c.664_671dup on transcript NM_000179.3 (MANE Select); coding-DNA positions 664 to 671, 8 bases duplicated (GATAATGA; older notation c.664_671dupGATAATGA).
Protein change: p.Glu226fs; shifts the reading frame from glutamic acid 226.
Molecular consequence: frameshift variant. On other transcripts: 5 prime UTR variant (2).
Genome position (GRCh38, 1-based): chr2:47,798,647-47,798,654, GATAATGA duplicated; duplicating any 8 consecutive bases within chr2:47,798,646-47,798,654 gives the same sequence; the c. name uses the placement nearest the transcript's 3' end. VCF-style (leftmost placement, unchanged base first): chr2-47798645-A-AAGATAATG. GRCh37 (hg19) VCF-style: chr2-48025784-A-AAGATAATG.
Other names: c.760_767dup, p.Glu258Metfs (NM_001406802.1, NM_001406795.1); c.664_671dup, p.Glu226Metfs (NM_001406803.1, NM_001406808.1, NM_001406809.1 and 4 more transcripts); c.586_593dup, p.Glu200Metfs (NM_001406804.1); c.367_374dup, p.Glu127Metfs (NM_001406805.1, NM_001406818.1, NM_001406819.1 and 10 more transcripts); c.139_146dup, p.Glu51Metfs (NM_001406806.1, NM_001406807.1, NM_001406799.1); c.-243_-236dup (NM_001406811.1, NM_001406812.1, NM_001406814.1 and 6 more transcripts); c.670_677dup, p.Glu228Metfs (NM_001406813.1); c.496_503dup, p.Glu170Metfs (NM_001406826.1); and 2 more; short protein forms E226fs, E96fs.
Identifiers: ClinVar variation 1754645 (VCV001754645.6), dbSNP rs1223983117, ClinGen allele CA769485313.
Genomic context (GRCh38, chr2:47,798,645, plus strand): 5'-TTAAATACTCTTTCCTTGCCTGGCAGGTAGGCACAACTTACGTAACAGATAAGAGTGAAG[A>AAGATAATG]AGATAATGAAATTGAGAGTGAAGAGGAAGTACAGCCTAAGACACAAGGATCTAGGCGAAG-3'

ClinVar aggregate classification (germline): Pathogenic. Review status: criteria provided, multiple submitters, no conflicts (2 of 4 stars). 3 submissions from 3 submitters: Pathogenic (3). Last evaluated 2024-05-25.

Conditions:
Hereditary cancer-predisposing syndrome. Also called: Neoplastic Syndromes, Hereditary; Tumor predisposition; Hereditary Cancer Syndrome; Hereditary neoplastic syndrome. Identifiers: Orphanet 140162, MedGen C0027672, MeSH D009386, MONDO:0015356.
Hereditary nonpolyposis colorectal neoplasms. Identifiers: MedGen C0009405, MeSH D003123.
Lynch syndrome 5 (LYNCH5). Also called: Hereditary non-polyposis colorectal cancer, type 5; Colorectal cancer, hereditary nonpolyposis, type 5. Identifiers: Orphanet 144, MedGen C1833477, MONDO:0013710, OMIM 614350. Disease mechanism: loss of function.

Submissions (3):

Labcorp Genetics (formerly Invitae), Labcorp
Classification: Pathogenic for Hereditary nonpolyposis colorectal neoplasms. Last evaluated: 2024-05-25. Review status: criteria provided, single submitter. Criteria: Invitae Variant Classification Sherloc (09022015). Collection method: clinical testing. Allele origin: germline.
Comment: This sequence change creates a premature translational stop signal (p.Glu226Metfs*23) in the MSH6 gene. It is expected to result in an absent or disrupted protein product. Loss-of-function variants in MSH6 are known to be pathogenic (PMID: 18269114, 24362816). This variant is not present in population databases (gnomAD no frequency). This variant has not been reported in the literature in individuals affected with MSH6-related conditions. ClinVar contains an entry for this variant (Variation ID: 1754645). For these reasons, this variant has been classified as Pathogenic.

Myriad Genetics, Inc.
Classification: Pathogenic for Lynch syndrome 5. Last evaluated: 2023-08-10. Review status: criteria provided, single submitter. Criteria: Myriad Autosomal Dominant, Autosomal Recessive and X-Linked Classification Criteria (2023). Collection method: clinical testing. Allele origin: unknown.
Comment: This variant is considered pathogenic. This variant creates a frameshift predicted to result in premature protein truncation.

Ambry Genetics
Classification: Pathogenic for Hereditary cancer-predisposing syndrome. Last evaluated: 2020-09-16. Review status: criteria provided, single submitter. Criteria: Ambry Variant Classification Scheme 2023. Collection method: clinical testing. Allele origin: germline.
Comment: The c.664_671dupGATAATGA pathogenic mutation, located in coding exon 4 of the MSH6 gene, results from a duplication of GATAATGA at nucleotide position 664, causing a translational frameshift with a predicted alternate stop codon (p.E226Mfs*23). This alteration is expected to result in loss of function by premature protein truncation or nonsense-mediated mRNA decay. As such, this alteration is interpreted as a disease-causing mutation.

Literature cited by the submitters: PubMed 18269114 (cited by Labcorp Genetics (formerly Invitae), Labcorp); PubMed 24362816 (cited by Labcorp Genetics (formerly Invitae), Labcorp).